The following is an entry in ClinVar:

NM_001379451.1(BCORL1):c.1386T>A (p.Ser462Arg)

Gene: BCORL1 (BCL6 corepressor like 1; plus strand). Cytogenetic location: Xq26.1.
Variant type: single nucleotide variant.
Coding change: c.1386T>A on transcript NM_001379451.1 (MANE Select); coding-DNA position 1386, T replaced by A.
Protein change: p.Ser462Arg; replaces serine 462 with arginine.
Molecular consequence: missense variant.
Genome position (GRCh38, 1-based): chrX:130,014,158, T>A. VCF-style: chrX-130014158-T-A. GRCh37 (hg19) VCF-style: chrX-129148134-T-A.
Other names: c.1386T>A, p.Ser462Arg (NM_001184772.3, NM_001379450.1, NM_021946.5); short protein forms S462R.
Identifiers: ClinVar variation 1696987 (VCV001696987.2), dbSNP rs2124444625, ClinGen allele CA414582482.

ClinVar aggregate classification (germline): Uncertain significance (1 of 4 stars; one submission).

Submission:

GeneDx
Classification: Uncertain significance. Last evaluated: 2022-01-13. Review status: criteria provided, single submitter. Criteria: GeneDx Variant Classification Process June 2021. Collection method: clinical testing. Allele origin: germline. Affected: yes.
Comment: Has not been previously published as pathogenic or benign to our knowledge; Not observed at significant frequency in large population cohorts (gnomAD); In silico analysis supports that this missense variant does not alter protein structure/function